The following is an entry in ClinVar:

ClinVar aggregate classification (germline): Uncertain significance (0 of 4 stars; one submission).

Conditions:
PKD1-related disorder. Also called: PKD1-related condition.

Allele frequency attached by ClinVar (database versions not stated): TOPMed below 0.00001; ExAC 0.00003.
gnomAD v4.1: 10 of 1,597,598 alleles (0.00063%); highest among the groups gnomAD compares: African/African-American, 0.013%; no homozygotes.

Submission:

PreventionGenetics, part of Exact Sciences
Classification: Uncertain significance for PKD1-related condition. Last evaluated: 2023-11-20. Review status: no assertion criteria provided. Collection method: clinical testing. Allele origin: germline.
Comment: The PKD1 c.8180C>T variant is predicted to result in the amino acid substitution p.Ala2727Val. To our knowledge, this variant has not been reported in the literature. This variant is reported in 0.012% of alleles in individuals of East Asian descent in gnomAD. Of note, a different substitution at the same codon, defined as c.8179G>C (p.Ala2727Pro), was reported in an individual with autosomal dominant polycystic kidney disease (ADPKD), but the clinical significance was uncertain (Mantovani et al. 2020. PubMed ID: 32457805, Supplementary Table 3). At this time, the clinical significance of the c.8180C>T (p.Ala2727Val) variant is uncertain due to the absence of conclusive functional and genetic evidence.

NM_001009944.3(PKD1):c.8180C>T (p.Ala2727Val)

Gene: PKD1 (polycystin 1, transient receptor potential channel interacting; minus strand). Cytogenetic location: 16p13.3.
Variant type: single nucleotide variant.
Coding change: c.8180C>T on transcript NM_001009944.3 (MANE Select); coding-DNA position 8180, C replaced by T.
Protein change: p.Ala2727Val; replaces alanine 2727 with valine.
Molecular consequence: missense variant.
Genome position (GRCh38, 1-based): chr16:2,103,877, G>A on the plus strand (C>T on the coding strand, the complement: PKD1 is on the minus strand). VCF-style: chr16-2103877-G-A. GRCh37 (hg19) VCF-style: chr16-2153878-G-A.
Other names: c.8180C>T, p.Ala2727Val (NM_000296.4); short protein forms A2727V.
Identifiers: ClinVar variation 3029494 (VCV003029494.2), dbSNP rs746952322, ClinGen allele CA7830628.